The following is an entry in ClinVar:

NM_002890.3(RASA1):c.503A>T (p.Glu168Val)

Gene: RASA1 (RAS p21 protein activator 1; plus strand). Cytogenetic location: 5q14.3.
Variant type: single nucleotide variant.
Coding change: c.503A>T on transcript NM_002890.3 (MANE Select); coding-DNA position 503, A replaced by T.
Protein change: p.Glu168Val; replaces glutamic acid 168 with valine.
Molecular consequence: missense variant. On other transcripts: 5 prime UTR variant (1).
Genome position (GRCh38, 1-based): chr5:87,268,954, A>T. VCF-style: chr5-87268954-A-T. GRCh37 (hg19) VCF-style: chr5-86564771-A-T.
Other names: c.-94A>T (NM_022650.3); short protein forms E168V.
Identifiers: ClinVar variation 1744936 (VCV001744936.2), dbSNP rs2531003756, ClinGen allele CA360417530.

ClinVar aggregate classification (germline): Uncertain significance (1 of 4 stars; one submission).

Conditions:
Cardiovascular phenotype. Identifiers: MedGen CN230736.

Submission:

Ambry Genetics
Classification: Uncertain significance for Cardiovascular phenotype. Last evaluated: 2021-10-21. Review status: criteria provided, single submitter. Criteria: Ambry Variant Classification Scheme 2023. Collection method: clinical testing. Allele origin: germline.
Comment: The p.E168V variant (also known as c.503A>T), located in coding exon 1 of the RASA1 gene, results from an A to T substitution at nucleotide position 503. The glutamic acid at codon 168 is replaced by valine, an amino acid with dissimilar properties. This amino acid position is conserved. In addition, the in silico prediction for this alteration is inconclusive. Since supporting evidence is limited at this time, the clinical significance of this alteration remains unclear.